The following is an entry in ClinVar:

ClinVar aggregate classification (germline): Uncertain significance (1 of 4 stars; one submission).

Allele frequency attached by ClinVar (database versions not stated): gnomAD exomes below 0.00001; TOPMed 0.00001.
gnomAD v4.1: 1 of 1,613,798 alleles (0.000062%); highest among the groups gnomAD compares: Non-Finnish European, 0.000085%; no homozygotes.

Submission:

Labcorp Genetics (formerly Invitae), Labcorp
Classification: Uncertain significance. Last evaluated: 2021-04-30. Review status: criteria provided, single submitter. Criteria: Invitae Variant Classification Sherloc (09022015). Collection method: clinical testing. Allele origin: germline.
Comment: In summary, the available evidence is currently insufficient to determine the role of this variant in disease. Therefore, it has been classified as a Variant of Uncertain Significance. Algorithms developed to predict the effect of missense changes on protein structure and function are either unavailable or do not agree on the potential impact of this missense change (SIFT: "Tolerated"; PolyPhen-2: "Possibly Damaging"; Align-GVGD: "Class C0"). This variant has not been reported in the literature in individuals with SZT2-related conditions. This variant is not present in population databases (ExAC no frequency). This sequence change replaces alanine with valine at codon 938 of the SZT2 protein (p.Ala938Val). The alanine residue is highly conserved and there is a small physicochemical difference between alanine and valine.

NM_001365999.1(SZT2):c.2813C>T (p.Ala938Val)

Gene: SZT2 (SZT2 subunit of KICSTOR complex; plus strand). Cytogenetic location: 1p34.2.
Variant type: single nucleotide variant.
Coding change: c.2813C>T on transcript NM_001365999.1 (MANE Select); coding-DNA position 2813, C replaced by T.
Protein change: p.Ala938Val; replaces alanine 938 with valine.
Molecular consequence: missense variant.
Genome position (GRCh38, 1-based): chr1:43,425,641, C>T. VCF-style: chr1-43425641-C-T. GRCh37 (hg19) VCF-style: chr1-43891312-C-T.
Other names: c.2813C>T, p.Ala938Val (NM_015284.4); short protein forms A938V.
Identifiers: ClinVar variation 861990 (VCV000861990.10), dbSNP rs1653053429, ClinGen allele CA340014516.
Genomic context (GRCh38, chr1:43,425,641, plus strand): 5'-GACCTGGCCCTGGAATCTGGAAGCACCTCCAGGACCTGACGTATTCTGAGATCCCGCAAG[C>T]TGTGAGTGTCCTCAGAACAGTACCCGCACCTCTCTCACTGGATTGGGGTGCCATCTCTTT-3'
Protein context (NP_001352928.1, residues 928-948): QDLTYSEIPQ[Ala938Val]LHPRDAACIG